The following is an entry in ClinVar:

ClinVar aggregate classification (germline): Likely benign (1 of 4 stars; one submission).

gnomAD v4.1: 33 of 1,613,900 alleles (0.002%); highest among the groups gnomAD compares: East Asian, 0.025%; no homozygotes.

Submission:

CeGaT Center for Human Genetics Tuebingen
Classification: Likely benign. Last evaluated: 2024-07-01. Review status: criteria provided, single submitter. Criteria: CeGaT Center For Human Genetics Tuebingen Variant Classification Criteria Version 2. Collection method: clinical testing. Allele origin: germline. Affected: yes. Observed: 1 variant allele.
Comment: IKZF5: BP4, BP7

NM_001372123.1(IKZF5):c.1014G>A (p.Thr338=)

Gene: IKZF5 (IKAROS family zinc finger 5; minus strand). Cytogenetic location: 10q26.13.
Variant type: single nucleotide variant.
Coding change: c.1014G>A on transcript NM_001372123.1 (MANE Select); coding-DNA position 1014, G replaced by A.
Protein change: p.Thr338=; no amino-acid change (threonine 338 retained).
Molecular consequence: synonymous variant.
Genome position (GRCh38, 1-based): chr10:122,994,026, C>T on the plus strand (G>A on the coding strand, the complement: IKZF5 is on the minus strand). VCF-style: chr10-122994026-C-T. GRCh37 (hg19) VCF-style: chr10-124753542-C-T.
Other names: c.1014G>A, p.Thr338= (NM_001271840.1, NM_001372125.1, NM_001372126.1 and 2 more transcripts); c.810G>A, p.Thr270= (NM_001372124.1, NM_001372129.1, NM_001372130.1 and 1 more transcripts).
Identifiers: ClinVar variation 3257231 (VCV003257231.17).